The following is an entry in ClinVar:

NM_001286577.2(C2CD3):c.3223A>C (p.Ser1075Arg)

Gene: C2CD3 (C2 domain containing 3 centriole elongation regulator; minus strand). Cytogenetic location: 11q13.4.
Variant type: single nucleotide variant.
Coding change: c.3223A>C on transcript NM_001286577.2 (MANE Select); coding-DNA position 3223, A replaced by C.
Protein change: p.Ser1075Arg; replaces serine 1075 with arginine.
Molecular consequence: missense variant.
Genome position (GRCh38, 1-based): chr11:74,093,937, T>G on the plus strand (A>C on the coding strand, the complement: C2CD3 is on the minus strand). VCF-style: chr11-74093937-T-G. GRCh37 (hg19) VCF-style: chr11-73804982-T-G.
Other names: p.Ser1075Arg; c.3223A>C, p.Ser1075Arg (NM_015531.6); c.3223A>C (NM_015531.4, NM_001286577.1); short protein forms S1075R.
Identifiers: ClinVar variation 598652 (VCV000598652.9), dbSNP rs764477521, ClinGen allele CA6182454.

ClinVar aggregate classification (germline): Uncertain significance. Review status: criteria provided, multiple submitters, no conflicts (2 of 4 stars). 4 submissions from 4 submitters: Uncertain significance (4). Last evaluated 2024-01-24.

Conditions:
Inborn genetic diseases. Identifiers: MedGen C0950123, MeSH D030342.

Allele frequency attached by ClinVar (database versions not stated): ExAC 0.00002; gnomAD exomes 0.00003 and 0.00009; TOPMed 0.00005.

Submissions (4):

Labcorp Genetics (formerly Invitae), Labcorp
Classification: Uncertain significance. Last evaluated: 2024-01-24. Review status: criteria provided, single submitter. Criteria: Invitae Variant Classification Sherloc (09022015). Collection method: clinical testing. Allele origin: germline.
Comment: This sequence change replaces serine, which is neutral and polar, with arginine, which is basic and polar, at codon 1075 of the C2CD3 protein (p.Ser1075Arg). This variant is present in population databases (rs764477521, gnomAD 0.004%). This variant has not been reported in the literature in individuals affected with C2CD3-related conditions. ClinVar contains an entry for this variant (Variation ID: 598652). Advanced modeling of protein sequence and biophysical properties (such as structural, functional, and spatial information, amino acid conservation, physicochemical variation, residue mobility, and thermodynamic stability) performed at Invitae indicates that this missense variant is expected to disrupt C2CD3 protein function with a positive predictive value of 80%. In summary, the available evidence is currently insufficient to determine the role of this variant in disease. Therefore, it has been classified as a Variant of Uncertain Significance.

Mayo Clinic Laboratories, Mayo Clinic
Classification: Uncertain significance. Last evaluated: 2023-02-17. Review status: criteria provided, single submitter. Criteria: ACMG Guidelines, 2015. Collection method: clinical testing. Allele origin: germline. Observed: 1 variant allele.
Comment: BP4

Ambry Genetics
Classification: Uncertain significance for Inborn genetic diseases. Last evaluated: 2022-05-13. Review status: criteria provided, single submitter. Criteria: Ambry Variant Classification Scheme 2023. Collection method: clinical testing. Allele origin: germline.

Eurofins Ntd Llc (ga)
Classification: Uncertain significance. Last evaluated: 2018-09-05. Review status: criteria provided, single submitter. Criteria: EGL ClinVar v180209 classification definitions. Collection method: clinical testing. Allele origin: germline. Observed: 1 variant allele, 1 heterozygote.